The following is an entry in ClinVar:

NM_001999.4(FBN2):c.5597A>G (p.Asp1866Gly)

Gene: FBN2 (fibrillin 2; minus strand). Cytogenetic location: 5q23.3.
Variant type: single nucleotide variant.
Coding change: c.5597A>G on transcript NM_001999.4 (MANE Select); coding-DNA position 5597, A replaced by G.
Protein change: p.Asp1866Gly; replaces aspartic acid 1866 with glycine.
Molecular consequence: missense variant.
Genome position (GRCh38, 1-based): chr5:128,305,588, T>C on the plus strand (A>G on the coding strand, the complement: FBN2 is on the minus strand). VCF-style: chr5-128305588-T-C. GRCh37 (hg19) VCF-style: chr5-127641280-T-C.
Other names: short protein forms D1866G.
Identifiers: ClinVar variation 2109078 (VCV002109078.4), dbSNP rs1749846388, ClinGen allele CA360740489.

ClinVar aggregate classification (germline): Uncertain significance (1 of 4 stars; one submission).

Conditions:
Congenital contractural arachnodactyly (CCA). Also called: BEALS SYNDROME; Beals-Hecht syndrome; Arthrogryposis, distal, type 9. Identifiers: Orphanet 115, MedGen C0220668, MONDO:0007363, OMIM 121050.

Allele frequency attached by ClinVar (database versions not stated): TOPMed 0.00001.

Submission:

Labcorp Genetics (formerly Invitae), Labcorp
Classification: Uncertain significance for Congenital contractural arachnodactyly. Last evaluated: 2022-08-24. Review status: criteria provided, single submitter. Criteria: Invitae Variant Classification Sherloc (09022015). Collection method: clinical testing. Allele origin: germline.
Comment: This sequence change replaces aspartic acid, which is acidic and polar, with glycine, which is neutral and non-polar, at codon 1866 of the FBN2 protein (p.Asp1866Gly). This variant is not present in population databases (gnomAD no frequency). This variant has not been reported in the literature in individuals affected with FBN2-related conditions. Advanced modeling of protein sequence and biophysical properties (such as structural, functional, and spatial information, amino acid conservation, physicochemical variation, residue mobility, and thermodynamic stability) performed at Invitae indicates that this missense variant is not expected to disrupt FBN2 protein function. In summary, the available evidence is currently insufficient to determine the role of this variant in disease. Therefore, it has been classified as a Variant of Uncertain Significance.